The following is an entry in ClinVar:

NM_020937.4(FANCM):c.4888A>G (p.Ile1630Val)

Gene: FANCM (FA complementation group M; plus strand). Cytogenetic location: 14q21.2.
Variant type: single nucleotide variant.
Coding change: c.4888A>G on transcript NM_020937.4 (MANE Select); coding-DNA position 4888, A replaced by G.
Protein change: p.Ile1630Val; replaces isoleucine 1630 with valine.
Molecular consequence: missense variant.
Genome position (GRCh38, 1-based): chr14:45,188,910, A>G. VCF-style: chr14-45188910-A-G. GRCh37 (hg19) VCF-style: chr14-45658113-A-G.
Other names: c.4810A>G, p.Ile1604Val (NM_001308133.2); short protein forms I1604V, I1630V.
Identifiers: ClinVar variation 3848497 (VCV003848497.1).

ClinVar aggregate classification (germline): Uncertain significance (1 of 4 stars; one submission).

Conditions:
Inborn genetic diseases. Identifiers: MedGen C0950123, MeSH D030342.

Submission:

Ambry Genetics
Classification: Uncertain significance for Inborn genetic diseases. Last evaluated: 2024-12-14. Review status: criteria provided, single submitter. Criteria: Ambry Variant Classification Scheme 2023. Collection method: clinical testing. Allele origin: germline.
Comment: The p.I1630V variant (also known as c.4888A>G), located in coding exon 20 of the FANCM gene, results from an A to G substitution at nucleotide position 4888. The isoleucine at codon 1630 is replaced by valine, an amino acid with highly similar properties. This amino acid position is conserved. In addition, this alteration is predicted to be tolerated by in silico analysis. Based on the available evidence, the clinical significance of this variant remains unclear.